The following is an entry in ClinVar:

ClinVar aggregate classification (germline): Uncertain significance (1 of 4 stars; one submission).

Conditions:
Pure or complex autosomal recessive spastic paraplegia. Identifiers: Orphanet 320346, MedGen C5679887, MONDO:0017915.

gnomAD v4.1: 23 of 1,614,218 alleles (0.0014%); highest among the groups gnomAD compares: African/African-American, 0.029%; no homozygotes.

Submission:

Labcorp Genetics (formerly Invitae), Labcorp
Classification: Uncertain significance for Pure or complex autosomal recessive spastic paraplegia. Last evaluated: 2024-11-26. Review status: criteria provided, single submitter. Criteria: Invitae Variant Classification Sherloc (09022015). Collection method: clinical testing. Allele origin: germline.
Comment: This sequence change replaces valine, which is neutral and non-polar, with phenylalanine, which is neutral and non-polar, at codon 461 of the ZFR protein (p.Val461Phe). This variant is present in population databases (rs4867440, gnomAD 0.03%). This variant has not been reported in the literature in individuals affected with ZFR-related conditions. Experimental studies and prediction algorithms are not available or were not evaluated, and the functional significance of this variant is currently unknown. In summary, the available evidence is currently insufficient to determine the role of this variant in disease. Therefore, it has been classified as a Variant of Uncertain Significance.

NM_016107.5(ZFR):c.1381G>T (p.Val461Phe)

Gene: ZFR (zinc finger RNA binding protein; minus strand). Cytogenetic location: 5p13.3.
Variant type: single nucleotide variant.
Coding change: c.1381G>T on transcript NM_016107.5 (MANE Select); coding-DNA position 1381, G replaced by T.
Protein change: p.Val461Phe; replaces valine 461 with phenylalanine.
Molecular consequence: missense variant. On other transcripts: non-coding transcript variant (1).
Genome position (GRCh38, 1-based): chr5:32,403,241, C>A on the plus strand (G>T on the coding strand, the complement: ZFR is on the minus strand). VCF-style: chr5-32403241-C-A. GRCh37 (hg19) VCF-style: chr5-32403346-C-A.
Other names: short protein forms V461F.
Identifiers: ClinVar variation 3664574 (VCV003664574.2).
Genomic context (GRCh38, chr5:32,403,241, plus strand): 5'-ATGTGCTATTAAGAGACGAGTTTCCTGTAGTCGTAAGACCCTTCATTGAAGACGTTGCAA[C>A]TGATGACGTATTCACAGTACAATTGTTTGCTGCAATGCTTGAAGGAGAGGCAGTCGGCTT-3'
Protein context (NP_057191.2, residues 451-471): ANNCTVNTSS[Val461Phe]ATSSMKGLTT